The following is an entry in ClinVar:

ClinVar aggregate classification (germline): Uncertain significance. Review status: criteria provided, multiple submitters, no conflicts (2 of 4 stars). 2 submissions from 2 submitters: Uncertain significance (2). Last evaluated 2024-12-10.

Conditions:
Inborn genetic diseases. Identifiers: MedGen C0950123, MeSH D030342.

Allele frequency attached by ClinVar (database versions not stated): gnomAD 0.00001; TOPMed 0.00001.
gnomAD v4.1: 2 of 1,613,502 alleles (0.00012%); highest among the groups gnomAD compares: Non-Finnish European, 0.00017%; no homozygotes.

Submissions (2):

Ambry Genetics
Classification: Uncertain significance for Inborn genetic diseases. Last evaluated: 2024-12-10. Review status: criteria provided, single submitter. Criteria: Ambry Variant Classification Scheme 2023. Collection method: clinical testing. Allele origin: germline.

Labcorp Genetics (formerly Invitae), Labcorp
Classification: Uncertain significance. Last evaluated: 2022-07-05. Review status: criteria provided, single submitter. Criteria: Invitae Variant Classification Sherloc (09022015). Collection method: clinical testing. Allele origin: germline.
Comment: This variant has not been reported in the literature in individuals affected with CDH23-related conditions. In summary, the available evidence is currently insufficient to determine the role of this variant in disease. Therefore, it has been classified as a Variant of Uncertain Significance. Algorithms developed to predict the effect of missense changes on protein structure and function are either unavailable or do not agree on the potential impact of this missense change (SIFT: "Deleterious"; PolyPhen-2: "Not Available"; Align-GVGD: "Class C0"). ClinVar contains an entry for this variant (Variation ID: 1409398). This variant is present in population databases (no rsID available, gnomAD 0.007%). This sequence change replaces alanine, which is neutral and non-polar, with serine, which is neutral and polar, at codon 748 of the CDH23 protein (p.Ala748Ser).

NM_022124.6(CDH23):c.2242G>T (p.Ala748Ser)

Gene: CDH23 (cadherin related 23; plus strand). Cytogenetic location: 10q22.1.
Variant type: single nucleotide variant.
Coding change: c.2242G>T on transcript NM_022124.6 (MANE Select); coding-DNA position 2242, G replaced by T.
Protein change: p.Ala748Ser; replaces alanine 748 with serine.
Molecular consequence: missense variant.
Genome position (GRCh38, 1-based): chr10:71,694,212, G>T. VCF-style: chr10-71694212-G-T. GRCh37 (hg19) VCF-style: chr10-73453969-G-T.
Other names: c.2242G>T, p.Ala748Ser (NM_001171930.2, NM_001171931.2); c.2242G>T (NM_022124.5); short protein forms A748S.
Identifiers: ClinVar variation 1409398 (VCV001409398.9), dbSNP rs752103709, ClinGen allele CA209444624.